The following is an entry in ClinVar:

NM_012330.4(KAT6B):c.3647A>G (p.Asn1216Ser)

Gene: KAT6B (lysine acetyltransferase 6B; plus strand). Cytogenetic location: 10q22.2.
Variant type: single nucleotide variant.
Coding change: c.3647A>G on transcript NM_012330.4 (MANE Select); coding-DNA position 3647, A replaced by G.
Protein change: p.Asn1216Ser; replaces asparagine 1216 with serine.
Molecular consequence: missense variant.
Genome position (GRCh38, 1-based): chr10:75,025,232, A>G. VCF-style: chr10-75025232-A-G. GRCh37 (hg19) VCF-style: chr10-76784990-A-G.
Other names: c.3098A>G, p.Asn1033Ser (NM_001256468.2, NM_001370138.1); c.2771A>G, p.Asn924Ser (NM_001256469.2, NM_001370139.1, NM_001370140.1 and 2 more transcripts); c.2609A>G, p.Asn870Ser (NM_001370132.1); c.1958A>G, p.Asn653Ser (NM_001370133.1); c.1562A>G, p.Asn521Ser (NM_001370134.1); c.1304A>G, p.Asn435Ser (NM_001370135.1); c.3647A>G, p.Asn1216Ser (NM_001370136.1, NM_001370137.1); c.2582A>G, p.Asn861Ser (NM_001370143.1, NM_001370144.1); short protein forms N1033S, N1216S, N435S, N521S, N653S, N861S, N870S, N924S.
Identifiers: ClinVar variation 3381416 (VCV003381416.1).

ClinVar aggregate classification (germline): Uncertain significance (1 of 4 stars; one submission).

gnomAD v4.1: 1 of 1,614,188 alleles (0.000062%); highest among the groups gnomAD compares: African/African-American, 0.0013%; no homozygotes.

Submission:

GeneDx
Classification: Uncertain significance. Last evaluated: 2024-05-23. Review status: criteria provided, single submitter. Criteria: GeneDx Variant Classification Process June 2021. Collection method: clinical testing. Allele origin: germline. Affected: yes.
Comment: Not observed at significant frequency in large population cohorts (gnomAD); In silico analysis indicates that this missense variant does not alter protein structure/function; Has not been previously published as pathogenic or benign to our knowledge